The following is an entry in ClinVar:

NM_152564.5(VPS13B):c.7246A>C (p.Ser2416Arg)

Gene: VPS13B (vacuolar protein sorting 13 homolog B; plus strand). Cytogenetic location: 8q22.2.
Variant type: single nucleotide variant.
Coding change: c.7246A>C on transcript NM_152564.5 (MANE Select); coding-DNA position 7246, A replaced by C.
Protein change: p.Ser2416Arg; replaces serine 2416 with arginine.
Molecular consequence: missense variant.
Genome position (GRCh38, 1-based): chr8:99,766,969, A>C. VCF-style: chr8-99766969-A-C. GRCh37 (hg19) VCF-style: chr8-100779197-A-C.
Other names: c.7321A>C, p.Ser2441Arg (NM_017890.5); short protein forms S2416R, S2441R.
Identifiers: ClinVar variation 2108259 (VCV002108259.4), dbSNP rs1342271383, ClinGen allele CA371874650.

ClinVar aggregate classification (germline): Uncertain significance (1 of 4 stars; one submission).

Conditions:
Cohen syndrome (COH1). Also called: Cutis verticis gyrata, retinitis pigmentosa, and sensorineural deafness; PEPPER SYNDROME. Identifiers: Orphanet 193, MedGen C0265223, MONDO:0008999, OMIM 216550.

Submission:

Labcorp Genetics (formerly Invitae), Labcorp
Classification: Uncertain significance for Cohen syndrome. Last evaluated: 2022-03-10. Review status: criteria provided, single submitter. Criteria: Invitae Variant Classification Sherloc (09022015). Collection method: clinical testing. Allele origin: germline.
Comment: In summary, the available evidence is currently insufficient to determine the role of this variant in disease. Therefore, it has been classified as a Variant of Uncertain Significance. This sequence change replaces serine, which is neutral and polar, with arginine, which is basic and polar, at codon 2441 of the VPS13B protein (p.Ser2441Arg). This variant is not present in population databases (gnomAD no frequency). This variant has not been reported in the literature in individuals affected with VPS13B-related conditions. Algorithms developed to predict the effect of missense changes on protein structure and function are either unavailable or do not agree on the potential impact of this missense change (SIFT: "Not Available"; PolyPhen-2: "Possibly Damaging"; Align-GVGD: "Not Available").